The following is an entry in ClinVar:

ClinVar aggregate classification (germline): Likely benign (1 of 4 stars; one submission).

Allele frequency attached by ClinVar (database versions not stated): ExAC 0.00002; gnomAD 0.00073.

Submission:

CeGaT Center for Human Genetics Tuebingen
Classification: Likely benign. Last evaluated: 2023-08-01. Review status: criteria provided, single submitter. Criteria: CeGaT Center For Human Genetics Tuebingen Variant Classification Criteria Version 2. Collection method: clinical testing. Allele origin: germline. Affected: yes. Observed: 1 variant allele.
Comment: KRTAP10-6: BP4, BS1

NM_198688.3(KRTAP10-6):c.371G>A (p.Cys124Tyr)

Genes: KRTAP10-6 (keratin associated protein 10-6; minus strand), TSPEAR (thrombospondin type laminin G domain and EAR repeats; minus strand). Cytogenetic location: 21q22.3.
Variant type: single nucleotide variant.
Coding change: c.371G>A on transcript NM_198688.3 (MANE Select); coding-DNA position 371, G replaced by A.
Protein change: p.Cys124Tyr; replaces cysteine 124 with tyrosine.
Molecular consequence: missense variant. On other transcripts: intron variant (2).
Genome position (GRCh38, 1-based): chr21:44,592,114, C>T on the plus strand (G>A on the coding strand, the complement: KRTAP10-6 is on the minus strand). VCF-style: chr21-44592114-C-T. GRCh37 (hg19) VCF-style: chr21-46011995-C-T.
Other names: c.83-24109G>A (NM_144991.3); c.-122-24109G>A (NM_001272037.2); short protein forms C124Y.
Identifiers: ClinVar variation 2578916 (VCV002578916.25), dbSNP rs199595314, ClinGen allele CA10059094.